The following is an entry in ClinVar:

NM_001003787.4(STRADA):c.652C>T (p.Leu218Phe)

Gene: STRADA (STE20 related adaptor alpha; minus strand). Cytogenetic location: 17q23.3.
Variant type: single nucleotide variant.
Coding change: c.652C>T on transcript NM_001003787.4 (MANE Select); coding-DNA position 652, C replaced by T.
Protein change: p.Leu218Phe; replaces leucine 218 with phenylalanine.
Molecular consequence: missense variant. On other transcripts: intron variant (1).
Genome position (GRCh38, 1-based): chr17:63,707,348, G>A on the plus strand (C>T on the coding strand, the complement: STRADA is on the minus strand). VCF-style: chr17-63707348-G-A. GRCh37 (hg19) VCF-style: chr17-61784708-G-A.
Other names: p.Leu218Phe; c.541C>T, p.Leu181Phe (NM_001003786.3, NM_001363789.1, NM_153335.6); c.478C>T, p.Leu160Phe (NM_001003788.3, NM_001363790.1, NM_001363791.1); c.565C>T, p.Leu189Phe (NM_001165969.2, NM_001363787.1, NM_001411084.1); c.520C>T, p.Leu174Phe (NM_001165970.2); c.628C>T, p.Leu210Phe (NM_001363786.1); c.652C>T, p.Leu218Phe (NM_001363788.1, NM_001411083.1); c.582-609C>T (NM_001411085.1); short protein forms L160F, L174F, L181F, L189F, L210F, L218F.
Identifiers: ClinVar variation 3380512 (VCV003380512.1).

ClinVar aggregate classification (germline): Uncertain significance (1 of 4 stars; one submission).

Submission:

Mayo Clinic Laboratories, Mayo Clinic
Classification: Uncertain significance. Last evaluated: 2024-08-12. Review status: criteria provided, single submitter. Criteria: ACMG Guidelines, 2015. Collection method: clinical testing. Allele origin: germline. Observed: 1 variant allele.
Comment: BP4